The following is an entry in ClinVar:

ClinVar aggregate classification (germline): Pathogenic (1 of 4 stars; one submission).

Conditions:
Autosomal recessive limb-girdle muscular dystrophy type 2A (LGMDR1). Also called: Muscular dystrophy, limb-girdle, type 2A, Amish; LEYDEN-MOEBIUS MUSCULAR DYSTROPHY; MUSCULAR DYSTROPHY, PELVOFEMORAL; Limb-girdle muscular dystrophy, type 2A; Calpainopathy. Identifiers: Orphanet 267, MedGen C1869123, MONDO:0009675, OMIM 253600. Disease mechanism: loss of function.

Allele frequency attached by ClinVar (database versions not stated): gnomAD exomes below 0.00001.
gnomAD v4.1: 2 of 1,613,784 alleles (0.00012%); highest among the groups gnomAD compares: Non-Finnish European, 0.00017%; no homozygotes.

Submission:

Labcorp Genetics (formerly Invitae), Labcorp
Classification: Pathogenic for Autosomal recessive limb-girdle muscular dystrophy type 2A. Last evaluated: 2022-07-29. Review status: criteria provided, single submitter. Criteria: Invitae Variant Classification Sherloc (09022015). Collection method: clinical testing. Allele origin: germline.
Comment: This sequence change affects a donor splice site in intron 5 of the CAPN3 gene. RNA analysis indicates that disruption of this splice site induces altered splicing and may result in an absent or disrupted protein product. This variant is not present in population databases (gnomAD no frequency). For these reasons, this variant has been classified as Pathogenic. Disruption of this splice site has been observed in individual(s) with autosomal recessive limb-girdle muscular dystrophy (PMID: 9452114). In at least one individual the data is consistent with being in trans (on the opposite chromosome) from a pathogenic variant. It has also been observed to segregate with disease in related individuals. Studies have shown that disruption of this splice site results in skipping of exon 5 and introduces a premature termination codon (PMID: 9452114). The resulting mRNA is expected to undergo nonsense-mediated decay.

Literature cited by the submitters: PubMed 9452114.

NM_000070.3(CAPN3):c.801+2T>G

Gene: CAPN3 (calpain 3; plus strand). Cytogenetic location: 15q15.1.
Variant type: single nucleotide variant.
Coding change: c.801+2T>G on transcript NM_000070.3 (MANE Select); the canonical splice donor site of the intron after coding-DNA position 801, T replaced by G.
Molecular consequence: splice donor variant.
Genome position (GRCh38, 1-based): chr15:42,389,098, T>G. VCF-style: chr15-42389098-T-G. GRCh37 (hg19) VCF-style: chr15-42681296-T-G.
Other names: c.801+2T>G (NM_024344.2, NM_173087.2).
Identifiers: ClinVar variation 2020095 (VCV002020095.4), dbSNP rs2548260668, ClinGen allele CA391998419.